The following is an entry in ClinVar:

NM_003839.4(TNFRSF11A):c.1696_1706del (p.Met566fs)

Gene: TNFRSF11A (TNF receptor superfamily member 11a; plus strand). Cytogenetic location: 18q21.33.
Variant type: Deletion.
Coding change: c.1696_1706del on transcript NM_003839.4 (MANE Select); coding-DNA positions 1696 to 1706, 11 bases deleted (ATGGGCCGCCC).
Protein change: p.Met566fs; shifts the reading frame from methionine 566.
Molecular consequence: frameshift variant. On other transcripts: 3 prime UTR variant (1).
Genome position (GRCh38, 1-based): chr18:62,384,879-62,384,889, ATGGGCCGCCC deleted; deleting any 11 consecutive bases within chr18:62,384,875-62,384,889 gives the same sequence; the c. name uses the placement nearest the transcript's 3' end. VCF-style (leftmost placement, unchanged base first): chr18-62384874-AGCCCATGGGCC-A. GRCh37 (hg19) VCF-style: chr18-60052107-AGCCCATGGGCC-A.
Other names: c.*120_*130del (NM_001270949.2); c.859_869del, p.Met287fs (NM_001270950.2); c.745_755del, p.Met249fs (NM_001270951.2); c.1654_1664del, p.Met552fs (NM_001278268.2); short protein forms M249fs, M566fs, M287fs, M552fs.
Identifiers: ClinVar variation 3664446 (VCV003664446.2).

ClinVar aggregate classification (germline): Uncertain significance (1 of 4 stars; one submission).

Submission:

Labcorp Genetics (formerly Invitae), Labcorp
Classification: Uncertain significance. Last evaluated: 2024-09-20. Review status: criteria provided, single submitter. Criteria: Invitae Variant Classification Sherloc (09022015). Collection method: clinical testing. Allele origin: germline.
Comment: This sequence change results in a frameshift in the TNFRSF11A gene (p.Met566Glyfs*105). While this is not anticipated to result in nonsense mediated decay, it is expected to disrupt the last 51 amino acid(s) of the TNFRSF11A protein and extend the protein by 53 additional amino acid residues. This variant is not present in population databases (gnomAD no frequency). This variant has not been reported in the literature in individuals affected with TNFRSF11A-related conditions. In summary, the available evidence is currently insufficient to determine the role of this variant in disease. Therefore, it has been classified as a Variant of Uncertain Significance.